The following is an entry in ClinVar:

ClinVar aggregate classification (germline): Uncertain significance (1 of 4 stars; one submission).

Conditions:
Alstrom syndrome (ALMS). Identifiers: Orphanet 64, MedGen C0268425, MONDO:0008763, OMIM 203800.

Allele frequency attached by ClinVar (database versions not stated): gnomAD exomes below 0.00001.
gnomAD v4.1: 1 of 1,613,496 alleles (0.000062%); highest among the groups gnomAD compares: Non-Finnish European, 0.000085%; no homozygotes.

Submission:

Labcorp Genetics (formerly Invitae), Labcorp
Classification: Uncertain significance for Alstrom syndrome. Last evaluated: 2022-05-01. Review status: criteria provided, single submitter. Criteria: Invitae Variant Classification Sherloc (09022015). Collection method: clinical testing. Allele origin: germline.
Comment: This variant has not been reported in the literature in individuals affected with ALMS1-related conditions. This variant is not present in population databases (gnomAD no frequency). This sequence change replaces valine, which is neutral and non-polar, with glycine, which is neutral and non-polar, at codon 1253 of the ALMS1 protein (p.Val1253Gly). In summary, the available evidence is currently insufficient to determine the role of this variant in disease. Therefore, it has been classified as a Variant of Uncertain Significance. Experimental studies and prediction algorithms are not available or were not evaluated, and the functional significance of this variant is currently unknown.

NM_001378454.1(ALMS1):c.3755T>G (p.Val1252Gly)

Gene: ALMS1 (ALMS1 centrosome and basal body associated protein; plus strand). Cytogenetic location: 2p13.1.
Variant type: single nucleotide variant.
Coding change: c.3755T>G on transcript NM_001378454.1 (MANE Select); coding-DNA position 3755, T replaced by G.
Protein change: p.Val1252Gly; replaces valine 1252 with glycine.
Molecular consequence: missense variant.
Genome position (GRCh38, 1-based): chr2:73,450,282, T>G. VCF-style: chr2-73450282-T-G. GRCh37 (hg19) VCF-style: chr2-73677409-T-G.
Other names: c.3758T>G, p.Val1253Gly (NM_015120.4); short protein forms V1253G, V1252G.
Identifiers: ClinVar variation 2132485 (VCV002132485.4), dbSNP rs2466099285, ClinGen allele CA347276531.
Genomic context (GRCh38, chr2:73,450,282, plus strand): 5'-CAACTCCAACCTCTGCTTCTTACTCACACACAGAGAAGCCTGGTATTTTCTACCAACAGG[T>G]CTTGCCAGATAATCATCCAACTGAAGAGGCTCTGAAAATTTCAGTTGCCTCTGAACCAGT-3'
Protein context (NP_001365383.1, residues 1242-1262): TEKPGIFYQQ[Val1252Gly]LPDNHPTEEA